The following is an entry in ClinVar:

NC_000022.10:g.(?_33960824)_(34022320_?)del

Gene: LARGE1 (LARGE xylosyl- and glucuronyltransferase 1; minus strand). Cytogenetic location: 22q12.3.
Variant type: Deletion.
Identifiers: ClinVar variation 1073613 (VCV001073613.8).

ClinVar aggregate classification (germline): Pathogenic (1 of 4 stars; one submission).

Conditions:
Muscular dystrophy-dystroglycanopathy type B6 (MDDGB6). Also called: MUSCULAR DYSTROPHY, CONGENITAL, LARGE-RELATED; MUSCULAR DYSTROPHY, CONGENITAL, TYPE 1D; MUSCULAR DYSTROPHY-DYSTROGLYCANOPATHY (CONGENITAL WITH IMPAIRED INTELLECTUAL DEVELOPMENT), TYPE B, 6. Identifiers: MedGen C1837229, MONDO:0012138, OMIM 608840.

Submission:

Labcorp Genetics (formerly Invitae), Labcorp
Classification: Pathogenic for Muscular dystrophy-dystroglycanopathy type B6. Last evaluated: 2022-06-20. Review status: criteria provided, single submitter. Criteria: Invitae Variant Classification Sherloc (09022015). Collection method: clinical testing. Allele origin: germline.
Comment: For these reasons, this variant has been classified as Pathogenic. This variant has not been reported in the literature in individuals affected with LARGE1-related conditions. This variant is a gross deletion of the genomic region encompassing exon(s) 5-7 of the LARGE1 gene. This deletion is out-of-frame, and is expected to create a premature termination codon and result in an absent or disrupted protein product. Loss-of-function variants in LARGE1 are known to be pathogenic (PMID: 12966029, 17878207).

Literature cited by the submitters: PubMed 12966029; PubMed 17878207.